The following is an entry in ClinVar:

ClinVar aggregate classification (germline): Likely pathogenic (1 of 4 stars; one submission).

Conditions:
Mucopolysaccharidosis, MPS-III-C (MPS3C). Also called: MPS IIIC (Sanfilippo Syndrome Type C); SANFILIPPO SYNDROME C; MPS III C; Mucopolysaccharidosis type IIIC (Sanfilippo C); MUCOPOLYSACCHARIDOSIS, TYPE IIIC; mucopolysaccharidosis type 3C. Identifiers: Orphanet 581, Orphanet 79271, MedGen C0086649, MONDO:0009657, OMIM 252930.

Submission:

Natera, Inc.
Classification: Likely pathogenic for Mucopolysaccharidosis type IIIC. Last evaluated: 2025-06-08. Review status: criteria provided, single submitter. Criteria: Natera Variant Classification Schema (03/2026). Collection method: clinical testing. Allele origin: germline.
Comment: The c.1478_1488del variant in HGSNAT is a frameshift variant predicted to shift the reading frame beginning at codon 493 and leads to a stop codon 30 codons downstream. This variant is expected to result in nonsense mediated decay, truncation, or a dysfunctional protein product. This variant is rare in the general population with a frequency below the threshold expected for the associated phenotype(s). Given the available evidence, this variant is classified as Likely Pathogenic.

NM_152419.3(HGSNAT):c.1478_1488del (p.Leu493fs)

Gene: HGSNAT (heparan-alpha-glucosaminide N-acetyltransferase; plus strand). Cytogenetic location: 8p11.21.
Variant type: Deletion.
Coding change: c.1478_1488del on transcript NM_152419.3 (MANE Select); coding-DNA positions 1478 to 1488, 11 bases deleted (TATTGTATTAC).
Protein change: p.Leu493fs; shifts the reading frame from leucine 493.
Molecular consequence: frameshift variant.
Genome position (GRCh38, 1-based): chr8:43,196,961-43,196,971, TATTGTATTAC deleted; deleting any 11 consecutive bases within chr8:43,196,958-43,196,971 gives the same sequence; the c. name uses the placement nearest the transcript's 3' end. VCF-style (leftmost placement, unchanged base first): chr8-43196957-ATACTATTGTAT-A. GRCh37 (hg19) VCF-style: chr8-43052100-ATACTATTGTAT-A.
Other names: c.1565_1575del, p.Leu522fs (NM_001363227.2); c.1286_1296del, p.Leu429fs (NM_001363228.2); c.614_624del, p.Leu205fs (NM_001363229.2); short protein forms L205fs, L429fs, L493fs, L522fs.
Identifiers: ClinVar variation 4816864 (VCV004816864.1).